The following is an entry in ClinVar:

ClinVar aggregate classification (germline): Likely pathogenic (1 of 4 stars; one submission).

Conditions:
Neurofibromatosis, type 1 (NF1). Also called: VON RECKLINGHAUSEN DISEASE; NEUROFIBROMATOSIS, TYPE I, SOMATIC; Peripheral type neurofibromatosis; Neurofibromatosis, type I. Identifiers: Orphanet 636, MedGen C0027831, MONDO:0018975, OMIM 162200. Disease mechanism: loss of function.

Submission:

Labcorp Genetics (formerly Invitae), Labcorp
Classification: Likely pathogenic for Neurofibromatosis, type 1. Last evaluated: 2019-11-25. Review status: criteria provided, single submitter. Criteria: Invitae Variant Classification Sherloc (09022015). Collection method: clinical testing. Allele origin: germline.
Comment: This sequence change affects a donor splice site in intron 4 of the NF1 gene. It is expected to disrupt RNA splicing and likely results in an absent or disrupted protein product. This variant is not present in population databases (ExAC no frequency). Algorithms developed to predict the effect of sequence changes on RNA splicing suggest that this variant may disrupt the consensus splice site, but this prediction has not been confirmed by published transcriptional studies. Donor and acceptor splice site variants typically lead to a loss of protein function (PMID: 16199547), and loss-of-function variants in NF1 are known to be pathogenic (PMID: 10712197, 23913538). In summary, the currently available evidence indicates that the variant is pathogenic, but additional data are needed to prove that conclusively. Therefore, this variant has been classified as Likely Pathogenic.

Literature cited by the submitters: PubMed 23913538; PubMed 10712197.

NM_001042492.3(NF1):c.479+1_479+1356del

Gene: NF1 (neurofibromin 1; plus strand). Cytogenetic location: 17q11.2.
Variant type: Deletion.
Coding change: c.479+1_479+1356del on transcript NM_001042492.3 (MANE Select); the canonical splice donor site of the intron after coding-DNA position 479 through 1356 bases into the intron after coding-DNA position 479, 1,356 bases deleted.
Molecular consequence: splice donor variant.
Genome position (GRCh38, 1-based): chr17:31,163,377-31,164,732, 1,356 bases deleted. GRCh37 (hg19): chr17:29,490,395-29,491,750.
Other names: c.479+1_479+1356del (NM_000267.4, NM_001128147.3).
Identifiers: ClinVar variation 954369 (VCV000954369.1), ClinGen allele CA1139665355.